The following is an entry in ClinVar:

ClinVar aggregate classification (germline): Uncertain significance (1 of 4 stars; one submission).

Conditions:
Cardiovascular phenotype. Identifiers: MedGen CN230736.

Submission:

Ambry Genetics
Classification: Uncertain significance for Cardiovascular phenotype. Last evaluated: 2022-04-12. Review status: criteria provided, single submitter. Criteria: Ambry Variant Classification Scheme 2023. Collection method: clinical testing. Allele origin: germline.
Comment: The p.L3667V variant (also known as c.10999C>G), located in coding exon 78 of the RYR2 gene, results from a C to G substitution at nucleotide position 10999. The leucine at codon 3667 is replaced by valine, an amino acid with highly similar properties. This amino acid position is highly conserved in available vertebrate species. In addition, the in silico prediction for this alteration is inconclusive. Since supporting evidence is limited at this time, the clinical significance of this alteration remains unclear.

NM_001035.3(RYR2):c.10999C>G (p.Leu3667Val)

Gene: RYR2 (ryanodine receptor 2; plus strand). Cytogenetic location: 1q43.
Variant type: single nucleotide variant.
Coding change: c.10999C>G on transcript NM_001035.3 (MANE Select); coding-DNA position 10999, C replaced by G.
Protein change: p.Leu3667Val; replaces leucine 3667 with valine.
Molecular consequence: missense variant.
Genome position (GRCh38, 1-based): chr1:237,732,109, C>G. VCF-style: chr1-237732109-C-G. GRCh37 (hg19) VCF-style: chr1-237895409-C-G.
Other names: short protein forms L3667V.
Identifiers: ClinVar variation 1791420 (VCV001791420.2), dbSNP rs2527070431, ClinGen allele CA345419044.